The following is an entry in ClinVar:

ClinVar aggregate classification (germline): Pathogenic (1 of 4 stars; one submission).

Submission:

Athena Diagnostics
Classification: Pathogenic. Last evaluated: 2023-06-13. Review status: criteria provided, single submitter. Criteria: Athena Diagnostics Criteria. Collection method: clinical testing. Allele origin: unknown.
Comment: This variant is expected to result in the loss of a functional protein. Similar deletions of exon 46-52 have been reported in multiple unrelated individuals with DMD, and also in at least one individual with BMD (PMID: 29976999). Similar variants have not been reported in large, multi-ethnic general populations (Genome Aggregation Database (gnomAD), Cambridge, MA (URL)).

Literature cited by the submitters: PubMed 31081998; PubMed 27593222; PubMed 18653336; PubMed 18663755; PubMed 30564623; PubMed 9048922; PubMed 17253928; PubMed 17259292; PubMed 26081009; PubMed 19449031; PubMed 33644936; PubMed 31705731; PubMed 32358784; PubMed 31139960; PubMed 29973226; PubMed 25937795; PubMed 31404137; PubMed 31381525; PubMed 31727011; PubMed 27206868; PubMed 32194622; PubMed 31379145; PubMed 29976999; PubMed 31069529.

Single allele

Gene: DMD (dystrophin; minus strand). Cytogenetic location: Xp21.1.
Variant type: Deletion.
Identifiers: ClinVar variation 2684362 (VCV002684362.1).